The following is an entry in ClinVar:

NM_001243279.3(ACSF3):c.31C>T (p.Arg11Cys)

Gene: ACSF3 (acyl-CoA synthetase family member 3; plus strand). Cytogenetic location: 16q24.3.
Variant type: single nucleotide variant.
Coding change: c.31C>T on transcript NM_001243279.3 (MANE Select); coding-DNA position 31, C replaced by T.
Protein change: p.Arg11Cys; replaces arginine 11 with cysteine.
Molecular consequence: missense variant. On other transcripts: non-coding transcript variant (3), intron variant (1).
Genome position (GRCh38, 1-based): chr16:89,100,712, C>T. VCF-style: chr16-89100712-C-T. GRCh37 (hg19) VCF-style: chr16-89167120-C-T.
Other names: c.31C>T, p.Arg11Cys (NM_001127214.4, NM_174917.5); c.-129-1892C>T (NM_001284316.2); short protein forms R11C.
Identifiers: ClinVar variation 397622 (VCV000397622.6), dbSNP rs901081235, ClinGen allele CA16609472.

ClinVar aggregate classification (germline): Uncertain significance. Review status: criteria provided, multiple submitters, no conflicts (2 of 4 stars). 4 submissions from 4 submitters: Uncertain significance (4). Last evaluated 2025-05-01.

Conditions:
Combined malonic and methylmalonic acidemia. Identifiers: Orphanet 289504, MedGen C3280314, MONDO:0013661, OMIM 614265.
Global developmental delay (DD). Also called: Cognitive delay. Identifiers: MedGen C0557874, HP:0001263. Disease mechanism: loss of function.

Allele frequency attached by ClinVar (database versions not stated): gnomAD exomes 0.00001 and 0.00003; gnomAD 0.00002 and 0.00003; TOPMed 0.00002.
gnomAD v4.1: 45 of 1,600,436 alleles (0.0028%); highest among the groups gnomAD compares: East Asian, 0.0045%; no homozygotes.

Submissions (4):

Labcorp Genetics (formerly Invitae), Labcorp
Classification: Uncertain significance for Combined malonic and methylmalonic acidemia. Last evaluated: 2025-05-01. Review status: criteria provided, single submitter. Criteria: Invitae Variant Classification Sherloc (09022015). Collection method: clinical testing. Allele origin: germline.
Comment: This sequence change replaces arginine, which is basic and polar, with cysteine, which is neutral and slightly polar, at codon 11 of the ACSF3 protein (p.Arg11Cys). The frequency data for this variant in the population databases is considered unreliable, as metrics indicate poor data quality at this position in the gnomAD database. This variant has not been reported in the literature in individuals affected with ACSF3-related conditions. ClinVar contains an entry for this variant (Variation ID: 397622). Invitae Evidence Modeling of protein sequence and biophysical properties (such as structural, functional, and spatial information, amino acid conservation, physicochemical variation, residue mobility, and thermodynamic stability) indicates that this missense variant is not expected to disrupt ACSF3 protein function with a negative predictive value of 95%. In summary, the available evidence is currently insufficient to determine the role of this variant in disease. Therefore, it has been classified as a Variant of Uncertain Significance.

Fulgent Genetics
Classification: Uncertain significance for Combined malonic and methylmalonic acidemia. Last evaluated: 2022-04-18. Review status: criteria provided, single submitter. Criteria: ACMG Guidelines, 2015. Collection method: clinical testing. Allele origin: unknown.

Genome-Nilou Lab
Classification: Uncertain significance for Combined malonic and methylmalonic acidemia. Last evaluated: 2021-05-18. Review status: criteria provided, single submitter. Criteria: ACMG Guidelines, 2015. Collection method: clinical testing. Allele origin: germline. Affected: no.

Claritas Genomics
Classification: Uncertain significance. Last evaluated: 2017-02-21. Review status: criteria provided, single submitter. Criteria: ACMG Guidelines, 2015. Collection method: clinical testing. Allele origin: germline. Affected: yes.